The following is an entry in ClinVar:

NM_015295.3(SMCHD1):c.263-10_263-9del

Gene: SMCHD1 (structural maintenance of chromosomes flexible hinge domain containing 1; plus strand). Cytogenetic location: 18p11.32.
Variant type: Deletion.
Coding change: c.263-10_263-9del on transcript NM_015295.3 (MANE Select); 10 bases into the intron before coding-DNA position 263 through 9 bases into the intron before coding-DNA position 263, 2 bases deleted (TT; older notation c.263-10_263-9delTT).
Molecular consequence: intron variant.
Genome position (GRCh38, 1-based): chr18:2,666,860-2,666,861, TT deleted. VCF-style (leftmost placement, unchanged base first): chr18-2666859-CTT-C. GRCh37 (hg19) VCF-style: chr18-2666858-CTT-C.
Other names: c.263-10_263-9delTT (NM_015295.2).
Identifiers: ClinVar variation 1533435 (VCV001533435.9), dbSNP rs779834935, ClinGen allele CA8870518.

ClinVar aggregate classification (germline): Likely benign. Review status: criteria provided, single submitter (1 of 4 stars). 2 submissions from 2 submitters: Likely benign (1). 1 of the submissions does not count toward it. Last evaluated 2025-10-23.

Conditions:
SMCHD1-related disorder. Also called: SMCHD1-related condition.
Facioscapulohumeral muscular dystrophy 2 (FSHD2). Also called: FACIOSCAPULOHUMERAL MUSCULAR DYSTROPHY 2, DIGENIC; FSHD2, DIGENIC; MUSCULAR DYSTROPHY, FACIOSCAPULOHUMERAL, TYPE 1B. Identifiers: Orphanet 269, MedGen C1834671, MONDO:0008031, OMIM 158901.

Allele frequency attached by ClinVar (database versions not stated): gnomAD exomes 0.00001 and 0.00004; ExAC 0.00006; ESP Exome Variant Server 0.00009; gnomAD 0.00013 and 0.00014; TOPMed 0.00015.

Submissions (2):

Labcorp Genetics (formerly Invitae), Labcorp
Classification: Likely benign for Facioscapulohumeral muscular dystrophy 2. Last evaluated: 2025-10-23. Review status: criteria provided, single submitter. Criteria: Invitae Variant Classification Sherloc (09022015). Collection method: clinical testing. Allele origin: germline.

PreventionGenetics, part of Exact Sciences
Classification: Likely benign for SMCHD1-related condition. Last evaluated: 2024-04-12. Review status: no assertion criteria provided. Collection method: clinical testing. Allele origin: germline. Not counted in ClinVar's aggregate classification.
Comment: This variant is classified as likely benign based on ACMG/AMP sequence variant interpretation guidelines (Richards et al. 2015 PMID: 25741868, with internal and published modifications).